The following is an entry in ClinVar:

ClinVar aggregate classification (germline): Benign. Review status: criteria provided, multiple submitters, no conflicts (2 of 4 stars). 4 submissions from 4 submitters: Benign (4). Last evaluated 2026-02-01.

Allele frequency attached by ClinVar (database versions not stated): gnomAD exomes 0.00042 and 0.00119; ExAC 0.00144; 1000 Genomes Project 30x 0.00390; gnomAD 0.00405 and 0.00441; 1000 Genomes Project 0.00419; TOPMed 0.00476; ESP Exome Variant Server 0.00585.
gnomAD v4.1: 1,249 of 1,613,238 alleles (0.077%); highest among the groups gnomAD compares: African/African-American, 1.4%; 13 homozygotes.

Submissions (4):

CeGaT Center for Human Genetics Tuebingen
Classification: Benign. Last evaluated: 2026-02-01. Review status: criteria provided, single submitter. Criteria: CeGaT Center For Human Genetics Tuebingen Variant Classification Criteria Version 2. Collection method: clinical testing. Allele origin: germline. Affected: yes. Observed: 2 variant alleles.
Comment: SPTBN2: BP4, BS1, BS2

Labcorp Genetics (formerly Invitae), Labcorp
Classification: Benign. Last evaluated: 2025-06-13. Review status: criteria provided, single submitter. Criteria: Invitae Variant Classification Sherloc (09022015). Collection method: clinical testing. Allele origin: germline.

Mayo Clinic Laboratories, Mayo Clinic
Classification: Benign. Last evaluated: 2025-06-11. Review status: criteria provided, single submitter. Criteria: ACMG Guidelines, 2015. Collection method: clinical testing. Allele origin: germline. Observed: 2 variant alleles.
Comment: BS1, BS2, BP4_moderate

Athena Diagnostics
Classification: Benign. Last evaluated: 2024-03-24. Review status: criteria provided, single submitter. Criteria: Athena Diagnostics Criteria. Collection method: clinical testing. Allele origin: unknown.

Literature cited by the submitters: PubMed 36644153 (cited by Athena Diagnostics); PubMed 26740555 (cited by Athena Diagnostics).

NM_006946.4(SPTBN2):c.4447C>T (p.Arg1483Cys)

Gene: SPTBN2 (spectrin beta, non-erythrocytic 2; minus strand). Cytogenetic location: 11q13.2.
Variant type: single nucleotide variant.
Coding change: c.4447C>T on transcript NM_006946.4 (MANE Select); coding-DNA position 4447, C replaced by T.
Protein change: p.Arg1483Cys; replaces arginine 1483 with cysteine.
Molecular consequence: missense variant.
Genome position (GRCh38, 1-based): chr11:66,694,195, G>A on the plus strand (C>T on the coding strand, the complement: SPTBN2 is on the minus strand). VCF-style: chr11-66694195-G-A. GRCh37 (hg19) VCF-style: chr11-66461666-G-A.
Other names: p.Arg1483Cys; c.4447C>T (NM_006946.3); short protein forms R1483C.
Identifiers: ClinVar variation 305555 (VCV000305555.22), dbSNP rs115062978, ClinGen allele CA6128581.